The following is an entry in ClinVar:

NM_001170700.3(DTHD1):c.952T>C (p.Tyr318His)

Gene: DTHD1 (death domain containing 1; plus strand). Cytogenetic location: 4p14.
Variant type: single nucleotide variant.
Coding change: c.952T>C on transcript NM_001170700.3 (MANE Select); coding-DNA position 952, T replaced by C.
Protein change: p.Tyr318His; replaces tyrosine 318 with histidine.
Molecular consequence: missense variant. On other transcripts: non-coding transcript variant (2).
Genome position (GRCh38, 1-based): chr4:36,290,437, T>C. VCF-style: chr4-36290437-T-C. GRCh37 (hg19) VCF-style: chr4-36292059-T-C.
Other names: c.82T>C, p.Tyr28His (NM_001136536.5, NM_001378435.1); short protein forms Y28H, Y318H.
Identifiers: ClinVar variation 2336822 (VCV002336822.4), dbSNP rs1350001780, ClinGen allele CA356678704.
Genomic context (GRCh38, chr4:36,290,437, plus strand): 5'-CTTGATGTGCTGAGTGATGTTACTGGCCCCCAAGTGTCTTGTTATATTACAGCACCATCA[T>C]ATGTTCTACAACAACTAGAATGCCGGATAATAAATCACATGAGTTCTTTAATAGTGGGTG-3'
Protein context (NP_001164171.2, residues 308-328): QVSCYITAPS[Tyr318His]VLQQLECRII

ClinVar aggregate classification (germline): Uncertain significance. Review status: criteria provided, multiple submitters, no conflicts (2 of 4 stars). 3 submissions from 3 submitters: Uncertain significance (3). Last evaluated 2025-10-12.

Allele frequency attached by ClinVar (database versions not stated): TOPMed below 0.00001; gnomAD 0.00001; gnomAD exomes 0.00001.

Submissions (3):

Labcorp Genetics (formerly Invitae), Labcorp
Classification: Uncertain significance. Last evaluated: 2025-10-12. Review status: criteria provided, single submitter. Criteria: Invitae Variant Classification Sherloc (09022015). Collection method: clinical testing. Allele origin: germline.
Comment: This sequence change replaces tyrosine, which is neutral and polar, with histidine, which is basic and polar, at codon 28 of the DTHD1 protein (p.Tyr28His). This variant is not present in population databases (gnomAD no frequency). This variant has not been reported in the literature in individuals affected with DTHD1-related conditions. ClinVar contains an entry for this variant (Variation ID: 2336822). An algorithm developed to predict the effect of missense changes on protein structure and function outputs the following: PolyPhen-2: "Benign". The histidine amino acid residue is found in multiple mammalian species, which suggests that this missense change does not adversely affect protein function. In summary, the available evidence is currently insufficient to determine the role of this variant in disease. Therefore, it has been classified as a Variant of Uncertain Significance.

Ambry Genetics
Classification: Uncertain significance. Last evaluated: 2022-12-19. Review status: criteria provided, single submitter. Criteria: Ambry Variant Classification Scheme 2023. Collection method: clinical testing. Allele origin: germline.

Breakthrough Genomics
Classification: Uncertain significance. Review status: criteria provided, single submitter. Criteria: ACMG Guidelines, 2015. Collection method: not provided. Allele origin: germline. Inheritance: Unknown mechanism. Affected: yes.